The following is an entry in ClinVar:

NM_015215.4(CAMTA1):c.400A>G (p.Arg134Gly)

Gene: CAMTA1 (calmodulin binding transcription activator 1; plus strand). Cytogenetic location: 1p36.23.
Variant type: single nucleotide variant.
Coding change: c.400A>G on transcript NM_015215.4 (MANE Select); coding-DNA position 400, A replaced by G.
Protein change: p.Arg134Gly; replaces arginine 134 with glycine.
Molecular consequence: missense variant.
Genome position (GRCh38, 1-based): chr1:7,249,588, A>G. VCF-style: chr1-7249588-A-G. GRCh37 (hg19) VCF-style: chr1-7309648-A-G.
Other names: c.310A>G, p.Arg104Gly (NM_001349608.2, NM_001349612.2); c.400A>G, p.Arg134Gly (NM_001349609.2, NM_001349610.2, NM_001410737.1 and 1 more transcripts); short protein forms R104G, R134G.
Identifiers: ClinVar variation 2504695 (VCV002504695.1), dbSNP rs2523961227, ClinGen allele CA338218752.

ClinVar aggregate classification (germline): Uncertain significance (1 of 4 stars; one submission).

Submission:

GeneDx
Classification: Uncertain significance. Last evaluated: 2022-12-12. Review status: criteria provided, single submitter. Criteria: GeneDx Variant Classification Process June 2021. Collection method: clinical testing. Allele origin: germline. Affected: yes.
Comment: Not observed at significant frequency in large population cohorts (gnomAD); In silico analysis supports that this missense variant has a deleterious effect on protein structure/function; Has not been previously published as pathogenic or benign to our knowledge